The following is an entry in ClinVar:

ClinVar aggregate classification (germline): Likely benign (0 of 4 stars; one submission).

Conditions:
Familial cancer of breast. Also called: BREAST CANCER, FAMILIAL; hereditary breast carcinoma; Hereditary breast cancer. Identifiers: Orphanet 227535, MedGen C0346153, MONDO:0016419, OMIM 114480. Disease mechanism: loss of function.

Allele frequency attached by ClinVar (database versions not stated): gnomAD exomes below 0.00001; TOPMed below 0.00001; ExAC 0.00001; gnomAD 0.00001.
gnomAD v4.1: 3 of 1,609,758 alleles (0.00019%); highest among the groups gnomAD compares: Non-Finnish European, 0.00025%; no homozygotes.

Submission:

Leiden Open Variation Database
Classification: Likely benign for Familial cancer of breast. Last evaluated: 2019-05-13. Review status: no assertion criteria provided. Collection method: curation. Allele origin: germline. Affected: yes.
Comment: Curators: Marc Tischkowitz, Arleen D. Auerbach. Submitter to LOVD: Marc Tischkowitz.

Literature cited by the submitters: PubMed 21285249.

NM_024675.4(PALB2):c.-25C>A

Gene: PALB2 (partner and localizer of BRCA2; minus strand). Cytogenetic location: 16p12.2.
Variant type: single nucleotide variant.
Coding change: c.-25C>A on transcript NM_024675.4 (MANE Select); 25 bases upstream of the start codon, C replaced by A.
Molecular consequence: 5 prime UTR variant.
Genome position (GRCh38, 1-based): chr16:23,641,182, G>T on the plus strand (C>A on the coding strand, the complement: PALB2 is on the minus strand). VCF-style: chr16-23641182-G-T. GRCh37 (hg19) VCF-style: chr16-23652503-G-T.
Identifiers: ClinVar variation 126575 (VCV000126575.3), dbSNP rs515726056, ClinGen allele CA269470.